The following is an entry in ClinVar:

ClinVar aggregate classification (germline): Likely benign (1 of 4 stars; one submission).

gnomAD v4.1: 151 of 1,607,014 alleles (0.0094%); highest among the groups gnomAD compares: East Asian, 0.016%; no homozygotes.

Submission:

CeGaT Center for Human Genetics Tuebingen
Classification: Likely benign. Last evaluated: 2026-09-01. Review status: criteria provided, single submitter. Criteria: CeGaT Center For Human Genetics Tuebingen Variant Classification Criteria Version 2. Collection method: clinical testing. Allele origin: germline. Affected: yes. Observed: 1 variant allele.
Comment: ARHGEF2: BP4, BP7

NM_001162383.2(ARHGEF2):c.2583C>T (p.Ala861=)

Gene: ARHGEF2 (Rho/Rac guanine nucleotide exchange factor 2; minus strand). Cytogenetic location: 1q22.
Variant type: single nucleotide variant.
Coding change: c.2583C>T on transcript NM_001162383.2 (MANE Select); coding-DNA position 2583, C replaced by T.
Protein change: p.Ala861=; no amino-acid change (alanine 861 retained).
Molecular consequence: synonymous variant.
Genome position (GRCh38, 1-based): chr1:155,950,949, G>A on the plus strand (C>T on the coding strand, the complement: ARHGEF2 is on the minus strand). VCF-style: chr1-155950949-G-A. GRCh37 (hg19) VCF-style: chr1-155920740-G-A.
Other names: c.2580C>T, p.Ala860= (NM_001162384.2); c.2502C>T, p.Ala834= (NM_001350110.2, NM_001350111.2); c.2529C>T, p.Ala843= (NM_001350112.2); c.2499C>T, p.Ala833= (NM_004723.4).
Identifiers: ClinVar variation 5040858 (VCV005040858.1).
Genomic context (GRCh38, chr1:155,950,949, plus strand): 5'-ATCCACAGGTCTGCGGGCCCAGGGGGCCTCAGCTGGGAGTGGCTCGGTCTGGCCCAGGGC[G>A]GCCAGCTGCCTTCGAGCCTCTTCGGCCTCACGCTCCAGCAGTGCCCGGGCCTGCTCACTC-3'
Protein context (NP_001155855.1, residues 851-871): REAEEARRQL[Ala861=]ALGQTEPLPA